The following is an entry in ClinVar:

ClinVar aggregate classification (germline): Uncertain significance (1 of 4 stars; one submission).

Conditions:
Propionic acidemia (PROP). Also called: GLYCINEMIA, KETOTIC; HYPERGLYCINEMIA WITH KETOACIDOSIS AND LEUKOPENIA; KETOTIC HYPERGLYCINEMIA. Identifiers: Orphanet 35, MedGen C0268579, MONDO:0011628, OMIM 606054, HP:0003571.

Allele frequency attached by ClinVar (database versions not stated): ExAC 0.00001; TOPMed 0.00001; gnomAD 0.00002; gnomAD exomes 0.00002; ESP Exome Variant Server 0.00008.
gnomAD v4.1: 25 of 1,613,982 alleles (0.0015%); highest among the groups gnomAD compares: Non-Finnish European, 0.0021%; no homozygotes.

Submission:

Labcorp Genetics (formerly Invitae), Labcorp
Classification: Uncertain significance for Propionic acidemia. Last evaluated: 2022-06-27. Review status: criteria provided, single submitter. Criteria: Invitae Variant Classification Sherloc (09022015). Collection method: clinical testing. Allele origin: germline.
Comment: This sequence change replaces cysteine, which is neutral and slightly polar, with serine, which is neutral and polar, at codon 111 of the PCCA protein (p.Cys111Ser). This variant is present in population databases (rs139268785, gnomAD 0.003%). This variant has not been reported in the literature in individuals affected with PCCA-related conditions. Advanced modeling of protein sequence and biophysical properties (such as structural, functional, and spatial information, amino acid conservation, physicochemical variation, residue mobility, and thermodynamic stability) performed at Invitae indicates that this missense variant is expected to disrupt PCCA protein function. In summary, the available evidence is currently insufficient to determine the role of this variant in disease. Therefore, it has been classified as a Variant of Uncertain Significance.

NM_000282.4(PCCA):c.331T>A (p.Cys111Ser)

Gene: PCCA (propionyl-CoA carboxylase subunit alpha; plus strand). Cytogenetic location: 13q32.3.
Variant type: single nucleotide variant.
Coding change: c.331T>A on transcript NM_000282.4 (MANE Select); coding-DNA position 331, T replaced by A.
Protein change: p.Cys111Ser; replaces cysteine 111 with serine.
Molecular consequence: missense variant. On other transcripts: 5 prime UTR variant (3), non-coding transcript variant (5).
Genome position (GRCh38, 1-based): chr13:100,155,009, T>A. VCF-style: chr13-100155009-T-A. GRCh37 (hg19) VCF-style: chr13-100807263-T-A.
Other names: c.253T>A, p.Cys85Ser (NM_001127692.3, NM_001352607.2, NM_001352608.2); c.331T>A, p.Cys111Ser (NM_001178004.2, NM_001352605.2, NM_001352606.2 and 1 more transcripts); c.-536T>A (NM_001352610.2, NM_001352611.2, NM_001352612.2); short protein forms C85S, C111S.
Identifiers: ClinVar variation 2148573 (VCV002148573.1), dbSNP rs139268785, ClinGen allele CA7033195.